The following is an entry in ClinVar:

ClinVar aggregate classification (germline): Uncertain significance (1 of 4 stars; one submission).

Conditions:
Inborn genetic diseases. Identifiers: MedGen C0950123, MeSH D030342.

Submission:

Ambry Genetics
Classification: Uncertain significance for Inborn genetic diseases. Last evaluated: 2022-05-01. Review status: criteria provided, single submitter. Criteria: Ambry Variant Classification Scheme 2023. Collection method: clinical testing. Allele origin: germline.
Comment: The p.T143I variant (also known as c.428C>T), located in coding exon 4 of the RAD51 gene, results from a C to T substitution at nucleotide position 428. The threonine at codon 143 is replaced by isoleucine, an amino acid with similar properties. This amino acid position is conserved. In addition, this alteration is predicted to be deleterious by in silico analysis. Since supporting evidence is limited at this time, the clinical significance of this alteration remains unclear.

NM_002875.5(RAD51):c.428C>T (p.Thr143Ile)

Gene: RAD51 (RAD51 recombinase; plus strand). Cytogenetic location: 15q15.1.
Variant type: single nucleotide variant.
Coding change: c.428C>T on transcript NM_002875.5 (MANE Select); coding-DNA position 428, C replaced by T.
Protein change: p.Thr143Ile; replaces threonine 143 with isoleucine.
Molecular consequence: missense variant.
Genome position (GRCh38, 1-based): chr15:40,709,109, C>T. VCF-style: chr15-40709109-C-T. GRCh37 (hg19) VCF-style: chr15-41001307-C-T.
Other names: c.431C>T, p.Thr144Ile (NM_001164269.2, NM_133487.4); c.428C>T, p.Thr143Ile (NM_001164270.2); short protein forms T144I, T143I.
Identifiers: ClinVar variation 1739413 (VCV001739413.2), dbSNP rs2504451152, ClinGen allele CA391751331.